The following is an entry in ClinVar:

ClinVar aggregate classification (germline): Conflicting classifications of pathogenicity. Review status: criteria provided, conflicting classifications (1 of 4 stars). 3 submissions from 3 submitters: Pathogenic (1); Uncertain significance (1). 1 of the submissions does not count toward it. Last evaluated 2024-03-01.

Conditions:
Myopia 27. Also called: MYOPIA 27, AUTOSOMAL DOMINANT. Identifiers: MedGen C5394215, MONDO:0032941, OMIM 618827.

Allele frequency attached by ClinVar (database versions not stated): ExAC 0.00007; gnomAD exomes 0.00007 and 0.00008; ESP Exome Variant Server 0.00008; gnomAD 0.00009; TOPMed 0.00010.

Submissions (3):

CeGaT Center for Human Genetics Tuebingen
Classification: Uncertain significance. Last evaluated: 2024-03-01. Review status: criteria provided, single submitter. Criteria: CeGaT Center For Human Genetics Tuebingen Variant Classification Criteria Version 2. Collection method: clinical testing. Allele origin: germline. Affected: yes. Observed: 2 variant alleles.
Comment: CPSF1: PVS1:Moderate, PP4

Labcorp Genetics (formerly Invitae), Labcorp
Classification: Pathogenic. Last evaluated: 2020-05-20. Review status: criteria provided, single submitter. Criteria: Invitae Variant Classification Sherloc (09022015). Collection method: clinical testing. Allele origin: germline.
Comment: This variant is present in population databases (rs782640869, ExAC 0.03%). This sequence change creates a premature translational stop signal (p.Val943Leufs*65) in the CPSF1 gene. It is expected to result in an absent or disrupted protein product. This variant has been observed in individual(s) with early-onset high myopia (PMID: 30689892). This variant is also known as p.V943Sfs*13 in the literature. ClinVar contains an entry for this variant (Variation ID: 829516). For these reasons, this variant has been classified as Pathogenic. Loss-of-function variants in CPSF1 are known to be pathogenic (PMID: 30689892).

OMIM
Classification: Pathogenic for MYOPIA 27. Last evaluated: 2020-03-27. Review status: no assertion criteria provided. Collection method: literature only. Allele origin: germline. Not counted in ClinVar's aggregate classification.

Literature cited by the submitters: PubMed 30689892 (cited by Labcorp Genetics (formerly Invitae), Labcorp and OMIM).

NM_013291.3(CPSF1):c.2823_2824del (p.Val943fs)

Gene: CPSF1 (cleavage and polyadenylation specific factor 1; minus strand). Cytogenetic location: 8q24.3.
Variant type: Deletion.
Coding change: c.2823_2824del on transcript NM_013291.3 (MANE Select); coding-DNA positions 2823 to 2824, 2 bases deleted (AG; older notation c.2823_2824delAG).
Protein change: p.Val943fs; shifts the reading frame from valine 943.
Molecular consequence: frameshift variant.
Genome position (GRCh38, 1-based): chr8:144,396,600-144,396,601, CT deleted on the plus strand (AG on the coding strand, the reverse complement: CPSF1 is on the minus strand). VCF-style (leftmost placement, unchanged base first): chr8-144396599-CCT-C. GRCh37 (hg19) VCF-style: chr8-145621814-CCT-C.
Other names: short protein forms V943fs.
Identifiers: ClinVar variation 829516 (VCV000829516.30), dbSNP rs782640869, ClinGen allele CA4939839.